The following is an entry in ClinVar:

ClinVar aggregate classification (germline): Uncertain significance (1 of 4 stars; one submission).

Allele frequency attached by ClinVar (database versions not stated): 1000 Genomes Project 30x 0.00016; 1000 Genomes Project 0.00020.
gnomAD v4.1: 2 of 1,601,872 alleles (0.00012%); highest among the groups gnomAD compares: African/African-American, 0.0013%; no homozygotes.

Submission:

Labcorp Genetics (formerly Invitae), Labcorp
Classification: Uncertain significance. Last evaluated: 2024-10-24. Review status: criteria provided, single submitter. Criteria: Invitae Variant Classification Sherloc (09022015). Collection method: clinical testing. Allele origin: germline.
Comment: This sequence change replaces arginine, which is basic and polar, with serine, which is neutral and polar, at codon 866 of the COL18A1 protein (p.Arg866Ser). This variant is present in population databases (rs372312684, gnomAD 0.007%). This variant has not been reported in the literature in individuals affected with COL18A1-related conditions. ClinVar contains an entry for this variant (Variation ID: 1919322). Experimental studies and prediction algorithms are not available or were not evaluated, and the functional significance of this variant is currently unknown. In summary, the available evidence is currently insufficient to determine the role of this variant in disease. Therefore, it has been classified as a Variant of Uncertain Significance.

NM_001379500.1(COL18A1):c.2596C>A (p.Arg866Ser)

Gene: COL18A1 (collagen type XVIII alpha 1 chain; plus strand). Cytogenetic location: 21q22.3.
Variant type: single nucleotide variant.
Coding change: c.2596C>A on transcript NM_001379500.1 (MANE Select); coding-DNA position 2596, C replaced by A.
Protein change: p.Arg866Ser; replaces arginine 866 with serine.
Molecular consequence: missense variant.
Genome position (GRCh38, 1-based): chr21:45,497,068, C>A. VCF-style: chr21-45497068-C-A. GRCh37 (hg19) VCF-style: chr21-46916982-C-A.
Other names: c.3136C>A, p.Arg1046Ser (NM_030582.4); c.3841C>A, p.Arg1281Ser (NM_130444.3); short protein forms R1046S, R1281S, R866S.
Identifiers: ClinVar variation 1919322 (VCV001919322.5), dbSNP rs372312684, ClinGen allele CA10067216.